The following is an entry in ClinVar:

NM_000569.8(FCGR3A):c.316A>G (p.Ile106Val)

Gene: FCGR3A (Fc gamma receptor IIIa; minus strand). Cytogenetic location: 1q23.3.
Variant type: single nucleotide variant.
Coding change: c.316A>G on transcript NM_000569.8 (MANE Select); coding-DNA position 316, A replaced by G.
Protein change: p.Ile106Val; replaces isoleucine 106 with valine.
Molecular consequence: missense variant.
Genome position (GRCh38, 1-based): chr1:161,548,424, T>C on the plus strand (A>G on the coding strand, the complement: FCGR3A is on the minus strand). VCF-style: chr1-161548424-T-C. GRCh37 (hg19) VCF-style: chr1-161518214-T-C.
Other names: c.628A>G, p.Ile210Val (NM_001127592.2); c.316A>G, p.Ile106Val (NM_001127593.1, NM_001127595.2, NM_001329120.2); c.313A>G, p.Ile105Val (NM_001127596.2, NM_001386450.1); c.631A>G, p.Ile211Val (NM_001329122.1); short protein forms I106V, I105V, I210V, I211V.
Identifiers: ClinVar variation 156331 (VCV000156331.8), dbSNP rs148181339, ClinGen allele CA233192.

ClinVar aggregate classification (germline): Benign. Review status: criteria provided, multiple submitters, no conflicts (2 of 4 stars). 3 submissions from 3 submitters: Benign (3). Last evaluated 2024-01-24.

Allele frequency attached by ClinVar (database versions not stated): 1000 Genomes Project 30x 0.30746; ExAC 0.29875.

Submissions (3):

Unidad de Genómica Garrahan, Hospital de Pediatría Garrahan
Classification: Benign. Last evaluated: 2024-01-24. Review status: criteria provided, single submitter. Criteria: ACMG Guidelines, 2015. Collection method: clinical testing. Allele origin: germline. Affected: no. Observed: 69 variant alleles.
Comment: This variant is classified as Benign based on local population frequency. This variant was detected in 73% of patients studied by a panel of primary immunodeficiencies. Number of patients: 69. Only high quality variants are reported.

Laboratory for Molecular Medicine, Mass General Brigham Personalized Medicine
Classification: Benign. Last evaluated: 2016-03-28. Review status: criteria provided, single submitter. Criteria: LMM Criteria. Collection method: clinical testing. Allele origin: germline.
Comment: Variant identified in a genome or exome case(s) and assessed due to predicted null impact of the variant or pathogenic assertions in the literature or databases. Disclaimer: This variant has not undergone full assessment. The following are preliminary notes: Frequency

Breakthrough Genomics
Classification: Benign. Review status: criteria provided, single submitter. Criteria: ACMG Guidelines, 2015. Collection method: not provided. Allele origin: germline. Inheritance: Autosomal recessive inheritance. Affected: yes.